The following is an entry in ClinVar:

NM_000179.3(MSH6):c.3193A>G (p.Asn1065Asp)

Gene: MSH6 (mutS homolog 6; plus strand). Cytogenetic location: 2p16.3.
Variant type: single nucleotide variant.
Coding change: c.3193A>G on transcript NM_000179.3 (MANE Select); coding-DNA position 3193, A replaced by G.
Protein change: p.Asn1065Asp; replaces asparagine 1065 with aspartic acid.
Molecular consequence: missense variant.
Genome position (GRCh38, 1-based): chr2:47,803,440, A>G. VCF-style: chr2-47803440-A-G. GRCh37 (hg19) VCF-style: chr2-48030579-A-G.
Other names: c.2803A>G, p.Asn935Asp (NM_001281492.2); c.2287A>G, p.Asn763Asp (NM_001281493.2, NM_001281494.2); short protein forms N1065D, N763D, N935D.
Identifiers: ClinVar variation 920577 (VCV000920577.7), dbSNP rs1669731638, ClinGen allele CA346757850.

ClinVar aggregate classification (germline): Conflicting classifications of pathogenicity. Review status: criteria provided, conflicting classifications (1 of 4 stars). 3 submissions from 3 submitters: Uncertain significance (2); Likely benign (1). Last evaluated 2025-02-09.

Conditions:
Hereditary cancer-predisposing syndrome. Also called: Neoplastic Syndromes, Hereditary; Tumor predisposition; Hereditary Cancer Syndrome; Hereditary neoplastic syndrome. Identifiers: Orphanet 140162, MedGen C0027672, MeSH D009386, MONDO:0015356.
Hereditary nonpolyposis colorectal neoplasms. Identifiers: MedGen C0009405, MeSH D003123.

Allele frequency attached by ClinVar (database versions not stated): gnomAD exomes below 0.00001.
gnomAD v4.1: 1 of 1,614,172 alleles (0.000062%); highest among the groups gnomAD compares: Non-Finnish European, 0.000085%; no homozygotes.

Submissions (3):

Ambry Genetics
Classification: Uncertain significance for Hereditary cancer-predisposing syndrome. Last evaluated: 2025-02-09. Review status: criteria provided, single submitter. Criteria: Ambry Variant Classification Scheme 2023. Collection method: clinical testing. Allele origin: germline.
Comment: The p.N1065D variant (also known as c.3193A>G), located in coding exon 5 of the MSH6 gene, results from an A to G substitution at nucleotide position 3193. The asparagine at codon 1065 is replaced by aspartic acid, an amino acid with highly similar properties. This amino acid position is conserved. In addition, this alteration is predicted to be tolerated by in silico analysis. Based on the available evidence, the clinical significance of this variant remains unclear.

Color Diagnostics, LLC DBA Color Health
Classification: Uncertain significance for Hereditary cancer-predisposing syndrome. Last evaluated: 2023-12-05. Review status: criteria provided, single submitter. Criteria: ACMG Guidelines, 2015. Collection method: clinical testing. Allele origin: germline.
Comment: This missense variant replaces asparagine with aspartic acid at codon 1065 of the MSH6 protein. Computational prediction suggests that this variant may not impact protein structure and function (internally defined REVEL score threshold <= 0.5, PMID: 27666373). To our knowledge, functional studies have not been reported for this variant. This variant has not been reported in individuals affected with MSH6-related disorders in the literature. This variant has not been identified in the general population by the Genome Aggregation Database (gnomAD). The available evidence is insufficient to determine the role of this variant in disease conclusively. Therefore, this variant is classified as a Variant of Uncertain Significance.

Labcorp Genetics (formerly Invitae), Labcorp
Classification: Likely benign for Hereditary nonpolyposis colorectal neoplasms. Last evaluated: 2023-09-18. Review status: criteria provided, single submitter. Criteria: Invitae Variant Classification Sherloc (09022015). Collection method: clinical testing. Allele origin: germline.